The following is an entry in ClinVar:

ClinVar aggregate classification (germline): Uncertain significance (1 of 4 stars; one submission).

Submission:

Labcorp Genetics (formerly Invitae), Labcorp
Classification: Uncertain significance. Last evaluated: 2024-01-19. Review status: criteria provided, single submitter. Criteria: Invitae Variant Classification Sherloc (09022015). Collection method: clinical testing. Allele origin: germline.
Comment: This variant, c.2375_2377del, results in the deletion of 1 amino acid(s) of the ADCY10 protein (p.Glu792del), but otherwise preserves the integrity of the reading frame. This variant is not present in population databases (gnomAD no frequency). This variant has not been reported in the literature in individuals affected with ADCY10-related conditions. Experimental studies and prediction algorithms are not available or were not evaluated, and the functional significance of this variant is currently unknown. In summary, the available evidence is currently insufficient to determine the role of this variant in disease. Therefore, it has been classified as a Variant of Uncertain Significance.

NM_018417.6(ADCY10):c.2372AAG[1] (p.Glu792del)

Gene: ADCY10 (adenylate cyclase 10; minus strand). Cytogenetic location: 1q24.2.
Variant type: Microsatellite.
Coding change: c.2372AAG[1] on transcript NM_018417.6 (MANE Select); one copy of the 3-base unit AAG starting at c.2372; the reference has two copies in a row; one copy, 3 bases deleted.
Protein change: p.Glu792del; deletes glutamic acid 792.
Molecular consequence: inframe deletion.
Genome position (GRCh38, 1-based): chr1:167,848,421-167,848,423, CTT deleted on the plus strand (AAG on the coding strand, the reverse complement: ADCY10 is on the minus strand); deleting any 3 consecutive bases within chr1:167,848,421-167,848,427 gives the same sequence; the position shown is the placement nearest the transcript's 3' end. VCF-style (leftmost placement, unchanged base first): chr1-167848420-ACTT-A. GRCh37 (hg19) VCF-style: chr1-167817658-ACTT-A.
Other names: c.1913AAG[1], p.Glu639del (NM_001167749.3); c.2096AAG[1], p.Glu700del (NM_001297772.2); short protein forms E792del, E700del, E639del.
Identifiers: ClinVar variation 2909311 (VCV002909311.3), dbSNP rs2525236641, ClinGen allele CA2648978164.